The following is an entry in ClinVar:

ClinVar aggregate classification (germline): Likely pathogenic. Review status: criteria provided, multiple submitters, no conflicts (2 of 4 stars). 3 submissions from 3 submitters: Likely pathogenic (3). Last evaluated 2025-09-09.

Conditions:
Fanconi anemia (FA). Also called: Fanconi's anemia. Identifiers: Orphanet 84, MedGen C0015625, MeSH D005199, MONDO:0019391.
Fanconi anemia complementation group I (FANCI). Also called: FANCI-Related Fanconi Anemia. Identifiers: Orphanet 84, MedGen C1836861, MONDO:0012186, OMIM 609053.

Allele frequency attached by ClinVar (database versions not stated): ExAC 0.00001; gnomAD exomes 0.00002 and 0.00003; TOPMed 0.00002; gnomAD 0.00003.
gnomAD v4.1: 44 of 1,612,352 alleles (0.0027%); highest among the groups gnomAD compares: Non-Finnish European, 0.0036%; no homozygotes.

Submissions (3):

Labcorp Genetics (formerly Invitae), Labcorp
Classification: Likely pathogenic for Fanconi anemia. Last evaluated: 2025-09-09. Review status: criteria provided, single submitter. Criteria: Invitae Variant Classification Sherloc (09022015). Collection method: clinical testing. Allele origin: germline.
Comment: This sequence change affects an acceptor splice site in intron 19 of the FANCI gene. It is expected to disrupt RNA splicing. Variants that disrupt the donor or acceptor splice site typically lead to a loss of protein function (PMID: 16199547), and loss-of-function variants in FANCI are known to be pathogenic (PMID: 17452773, 17460694). This variant is present in population databases (rs776329920, gnomAD 0.003%). Disruption of this splice site has been observed in individual(s) with breast cancer (PMID: 30303537). ClinVar contains an entry for this variant (Variation ID: 1324387). Algorithms developed to predict the effect of sequence changes on RNA splicing suggest that this variant may disrupt the consensus splice site. In summary, the currently available evidence indicates that the variant is pathogenic, but additional data are needed to prove that conclusively. Therefore, this variant has been classified as Likely Pathogenic.

St. Jude Molecular Pathology, St. Jude Children's Research Hospital
Classification: Likely pathogenic for Fanconi anemia complementation group I. Last evaluated: 2025-06-17. Review status: criteria provided, single submitter. Criteria: St. Jude Assertion Criteria 2020. Collection method: clinical testing. Allele origin: germline.
Comment: The FANCI c.1891-2A>G intronic change results in a A to G substitution at the +2 position of intron 19 of the FANCI gene. This variant is predicted to result in loss of the native splice donor site and abnormal gene splicing, resulting in nonsense-mediated decay or an abnormal protein product. This variant has been reported in individuals with breast cancer (PMID: 30303537). To our knowledge this variant has not been reported in individual with Fanconi Anemia. This variant has a maximum subpopulation frequency of 0.0035% in gnomAD v2.1.1. In summary, this variant meets criteria to be classified as pathogenic.

Baylor Genetics
Classification: Likely pathogenic for Fanconi anemia complementation group I. Last evaluated: 2023-12-07. Review status: criteria provided, single submitter. Criteria: ACMG Guidelines, 2015. Collection method: clinical testing. Allele origin: unknown.

Literature cited by the submitters: PubMed 16199547 (cited by Labcorp Genetics (formerly Invitae), Labcorp); PubMed 17452773 (cited by Labcorp Genetics (formerly Invitae), Labcorp); PubMed 17460694 (cited by Labcorp Genetics (formerly Invitae), Labcorp); PubMed 30303537 (cited by Labcorp Genetics (formerly Invitae), Labcorp).

NM_001113378.2(FANCI):c.1891-2A>G

Gene: FANCI (FA complementation group I; plus strand). Cytogenetic location: 15q26.1.
Variant type: single nucleotide variant.
Coding change: c.1891-2A>G on transcript NM_001113378.2 (MANE Select); the canonical splice acceptor site of the intron before coding-DNA position 1891, A replaced by G.
Molecular consequence: splice acceptor variant.
Genome position (GRCh38, 1-based): chr15:89,291,611, A>G. VCF-style: chr15-89291611-A-G. GRCh37 (hg19) VCF-style: chr15-89834842-A-G.
Other names: c.1891-2A>G (NM_018193.3, NM_001376911.1); c.1612-2A>G (NM_001376910.1).
Identifiers: ClinVar variation 1324387 (VCV001324387.13), dbSNP rs776329920, ClinGen allele CA7723210.
Genomic context (GRCh38, chr15:89,291,611, plus strand): 5'-GAAGTTAAAAAAGTAAAAAGCATTTATGAGCCAAGATGTCTTTTTTTTCTTACTATACAC[A>G]GTTAAAACAGTTCTATGAGCCAAAACCTGATCTGCTGCCTCCTCTGAAATTAGAAGCTTG-3'